The following is an entry in ClinVar:

NM_004369.4(COL6A3):c.6880-47T>C

Gene: COL6A3 (collagen type VI alpha 3 chain; minus strand). Cytogenetic location: 2q37.3.
Variant type: single nucleotide variant.
Coding change: c.6880-47T>C on transcript NM_004369.4 (MANE Select); 47 bases into the intron before coding-DNA position 6880, T replaced by C.
Molecular consequence: intron variant.
Genome position (GRCh38, 1-based): chr2:237,348,710, A>G on the plus strand (T>C on the coding strand, the complement: COL6A3 is on the minus strand). VCF-style: chr2-237348710-A-G. GRCh37 (hg19) VCF-style: chr2-238257353-A-G.
Other names: c.5059-47T>C (NM_057166.5); c.6262-47T>C (NM_057167.4).
Identifiers: ClinVar variation 94972 (VCV000094972.8), dbSNP rs2646263, ClinGen allele CA148003.

ClinVar aggregate classification (germline): Benign. Review status: criteria provided, multiple submitters, no conflicts (2 of 4 stars). 5 submissions from 5 submitters: Benign (5). Last evaluated 2024-07-31.

Allele frequency attached by ClinVar (database versions not stated): gnomAD exomes 0.13103 and 0.14734; ExAC 0.14791; gnomAD 0.17268 and 0.17514; ESP Exome Variant Server 0.17799; 1000 Genomes Project 0.18071; TOPMed 0.18179; 1000 Genomes Project 30x 0.18691.
gnomAD v4.1: 210,569 of 1,555,482 alleles (14%); highest among the groups gnomAD compares: African/African-American, 28%; 15,671 homozygotes.

Submissions (5):

Unidad de Genómica Garrahan, Hospital de Pediatría Garrahan
Classification: Benign. Last evaluated: 2024-07-31. Review status: criteria provided, single submitter. Criteria: ACMG Guidelines, 2015. Collection method: clinical testing. Allele origin: germline. Affected: no. Observed: 35 variant alleles.
Comment: This variant is classified as Benign based on local population frequency. This variant was detected in 38% of patients studied in a panel designed for Epileptic and Developmental Encephalopathy, Progressive Myoclonus Epilepsy and Abnormal Movements and Neurodegeneration with brain iron accumulation. Number of patients: 35. Only high quality variants are reported.

GeneDx
Classification: Benign. Last evaluated: 2018-06-16. Review status: criteria provided, single submitter. Criteria: GeneDx Variant Classification (06012015). Collection method: clinical testing. Allele origin: germline. Affected: yes.
Comment: This variant is considered likely benign or benign based on one or more of the following criteria: it is a conservative change, it occurs at a poorly conserved position in the protein, it is predicted to be benign by multiple in silico algorithms, and/or has population frequency not consistent with disease.

Eurofins Ntd Llc (ga)
Classification: Benign. Last evaluated: 2012-11-05. Review status: criteria provided, single submitter. Criteria: EGL Classification Definitions 2015. Collection method: clinical testing. Allele origin: germline. Observed: 18 variant alleles, 16 heterozygotes, 2 homozygotes.

Breakthrough Genomics
Classification: Benign. Review status: criteria provided, single submitter. Criteria: ACMG Guidelines, 2015. Collection method: not provided. Allele origin: germline. Inheritance: Autosomal recessive inheritance. Affected: yes.

PreventionGenetics, part of Exact Sciences
Classification: Benign. Review status: criteria provided, single submitter. Criteria: ACMG Guidelines, 2015. Collection method: clinical testing. Allele origin: germline.